The following is an entry in ClinVar:

ClinVar aggregate classification (germline): Pathogenic/Likely pathogenic. Review status: criteria provided, multiple submitters, no conflicts (2 of 4 stars). 3 submissions from 3 submitters: Pathogenic (2); Likely pathogenic (1). Last evaluated 2024-10-17.

Conditions:
Alkaptonuria (AKU). Also called: Alcaptonuria; HOMOGENTISIC ACID OXIDASE DEFICIENCY; Homogentisic acidura; Alkaptonuric ochronosis. Identifiers: Orphanet 56, MedGen C0002066, MONDO:0008753, OMIM 203500.

Allele frequency attached by ClinVar (database versions not stated): gnomAD exomes below 0.00001 and 0.00001; TOPMed 0.00001; ExAC 0.00002.
gnomAD v4.1: 3 of 1,612,488 alleles (0.00019%); highest among the groups gnomAD compares: East Asian, 0.0022%; no homozygotes.

Submissions (3):

Labcorp Genetics (formerly Invitae), Labcorp
Classification: Pathogenic for Alkaptonuria. Last evaluated: 2024-10-17. Review status: criteria provided, single submitter. Criteria: Invitae Variant Classification Sherloc (09022015). Collection method: clinical testing. Allele origin: germline.
Comment: This sequence change creates a premature translational stop signal (p.Trp97*) in the HGD gene. It is expected to result in an absent or disrupted protein product. Loss-of-function variants in HGD are known to be pathogenic (PMID: 12501223, 19862842). This variant is not present in population databases (gnomAD no frequency). This variant has not been reported in the literature in individuals affected with HGD-related conditions. ClinVar contains an entry for this variant (Variation ID: 855743). For these reasons, this variant has been classified as Pathogenic.

Department of Pathology and Laboratory Medicine, Sinai Health System
Classification: Pathogenic for Alkaptonuria. Last evaluated: 2023-01-12. Review status: criteria provided, single submitter. Criteria: ACMG Guidelines, 2015. Collection method: research. Allele origin: germline.

Fulgent Genetics
Classification: Likely pathogenic for Alkaptonuria. Last evaluated: 2021-08-17. Review status: criteria provided, single submitter. Criteria: ACMG Guidelines, 2015. Collection method: clinical testing. Allele origin: unknown.

Literature cited by the submitters: PubMed 12501223 (cited by Labcorp Genetics (formerly Invitae), Labcorp); PubMed 19862842 (cited by Labcorp Genetics (formerly Invitae), Labcorp).

NM_000187.4(HGD):c.291G>A (p.Trp97Ter)

Gene: HGD (homogentisate 1,2-dioxygenase; minus strand). Cytogenetic location: 3q13.33.
Variant type: single nucleotide variant.
Coding change: c.291G>A on transcript NM_000187.4 (MANE Select); coding-DNA position 291, G replaced by A.
Protein change: p.Trp97Ter; replaces tryptophan 97 with a stop codon.
Molecular consequence: nonsense.
Genome position (GRCh38, 1-based): chr3:120,652,643, C>T on the plus strand (G>A on the coding strand, the complement: HGD is on the minus strand). VCF-style: chr3-120652643-C-T. GRCh37 (hg19) VCF-style: chr3-120371490-C-T.
Other names: short protein forms W97*.
Identifiers: ClinVar variation 855743 (VCV000855743.10), dbSNP rs766714128, ClinGen allele CA2560269.
Genomic context (GRCh38, chr3:120,652,643, plus strand): 5'-CTGACTTACACTCACAAAGTCTACTTTCTTCTGAGATGCTTTTGGAATCTCAAATGGTTT[C>T]CATCTAAGCTGGAAAAAAAATACACATACAGAAAAATTACTTCACAAGGGTAAACCATAG-3'